The following is an entry in ClinVar:

ClinVar aggregate classification (germline): Uncertain significance. Review status: criteria provided, multiple submitters, no conflicts (2 of 4 stars). 2 submissions from 2 submitters: Uncertain significance (2). Last evaluated 2025-08-12.

Conditions:
CITED2-related disorder. Also called: CITED2-related condition.
Inborn genetic diseases. Identifiers: MedGen C0950123, MeSH D030342.

Allele frequency attached by ClinVar (database versions not stated): gnomAD 0.00001; gnomAD exomes 0.00001; TOPMed 0.00001.

Submissions (2):

Ambry Genetics
Classification: Uncertain significance for Inborn genetic diseases. Last evaluated: 2025-08-12. Review status: criteria provided, single submitter. Criteria: Ambry Variant Classification Scheme 2023. Collection method: clinical testing. Allele origin: germline.

PreventionGenetics, part of Exact Sciences
Classification: Uncertain significance for CITED2-related condition. Last evaluated: 2025-07-14. Review status: criteria provided, single submitter. Criteria: ACMG Guidelines, 2015. Collection method: clinical testing. Allele origin: germline.
Comment: The CITED2 c.701T>C variant is predicted to result in the amino acid substitution p.Met234Thr. To our knowledge, this variant has not been reported in the literature. This variant is reported in 0.0029% of alleles in individuals of Latino descent in gnomAD. At this time, the clinical significance of this variant is uncertain due to the absence of conclusive functional and genetic evidence.

NM_006079.5(CITED2):c.686T>C (p.Met229Thr)

Gene: CITED2 (Cbp/p300 interacting transactivator with ED-rich tail 2; minus strand). Cytogenetic location: 6q24.1.
Variant type: single nucleotide variant.
Coding change: c.686T>C on transcript NM_006079.5 (MANE Select); coding-DNA position 686, T replaced by C.
Protein change: p.Met229Thr; replaces methionine 229 with threonine.
Molecular consequence: missense variant.
Genome position (GRCh38, 1-based): chr6:139,373,259, A>G on the plus strand (T>C on the coding strand, the complement: CITED2 is on the minus strand). VCF-style: chr6-139373259-A-G. GRCh37 (hg19) VCF-style: chr6-139694396-A-G.
Other names: c.686T>C, p.Met229Thr (NM_001168388.3); c.701T>C, p.Met234Thr (NM_001168389.3); c.701T>C (NM_001168389.2); short protein forms M229T, M234T.
Identifiers: ClinVar variation 2308259 (VCV002308259.4), dbSNP rs1327285914, ClinGen allele CA365876457.